The following is an entry in ClinVar:

NM_001282684.2(KCTD17):c.571A>G (p.Thr191Ala)

Gene: KCTD17 (potassium channel tetramerization domain containing 17; plus strand). Cytogenetic location: 22q12.3.
Variant type: single nucleotide variant.
Coding change: c.571A>G on transcript NM_001282684.2 (MANE Select); coding-DNA position 571, A replaced by G.
Protein change: p.Thr191Ala; replaces threonine 191 with alanine.
Molecular consequence: missense variant.
Genome position (GRCh38, 1-based): chr22:37,059,397, A>G. VCF-style: chr22-37059397-A-G. GRCh37 (hg19) VCF-style: chr22-37455437-A-G.
Other names: c.571A>G, p.Thr191Ala (NM_001282685.2, NM_001282686.2, NM_024681.4); short protein forms T191A.
Identifiers: ClinVar variation 1444805 (VCV001444805.6), dbSNP rs2145986921, ClinGen allele CA411414899.

ClinVar aggregate classification (germline): Uncertain significance (1 of 4 stars; one submission).

Conditions:
Myoclonic dystonia 26. Identifiers: MedGen C4225341, MONDO:0014620, OMIM 616398.

Submission:

Labcorp Genetics (formerly Invitae), Labcorp
Classification: Uncertain significance for Myoclonic dystonia 26. Last evaluated: 2021-10-16. Review status: criteria provided, single submitter. Criteria: Invitae Variant Classification Sherloc (09022015). Collection method: clinical testing. Allele origin: germline.
Comment: In summary, the available evidence is currently insufficient to determine the role of this variant in disease. Therefore, it has been classified as a Variant of Uncertain Significance. Algorithms developed to predict the effect of missense changes on protein structure and function output the following: SIFT: "Deleterious"; PolyPhen-2: "Benign"; Align-GVGD: "Class C0". The alanine amino acid residue is found in multiple mammalian species, which suggests that this missense change does not adversely affect protein function. This sequence change replaces threonine with alanine at codon 198 of the KCTD17 protein (p.Thr198Ala). The threonine residue is weakly conserved and there is a small physicochemical difference between threonine and alanine. This variant is not present in population databases (ExAC no frequency). This variant has not been reported in the literature in individuals affected with KCTD17-related conditions.